The following is an entry in ClinVar:

NM_032444.4(SLX4):c.4312A>G (p.Ile1438Val)

Gene: SLX4 (SLX4 structure-specific endonuclease subunit; minus strand). Cytogenetic location: 16p13.3.
Variant type: single nucleotide variant.
Coding change: c.4312A>G on transcript NM_032444.4 (MANE Select); coding-DNA position 4312, A replaced by G.
Protein change: p.Ile1438Val; replaces isoleucine 1438 with valine.
Molecular consequence: missense variant.
Genome position (GRCh38, 1-based): chr16:3,589,326, T>C on the plus strand (A>G on the coding strand, the complement: SLX4 is on the minus strand). VCF-style: chr16-3589326-T-C. GRCh37 (hg19) VCF-style: chr16-3639327-T-C.
Other names: short protein forms I1438V.
Identifiers: ClinVar variation 1195237 (VCV001195237.2), dbSNP rs746452357, ClinGen allele CA7865689.

ClinVar aggregate classification (germline): Uncertain significance (1 of 4 stars; one submission).

Allele frequency attached by ClinVar (database versions not stated): gnomAD exomes below 0.00001 and 0.00001; gnomAD 0.00001; ExAC 0.00002.
gnomAD v4.1: 2 of 1,578,398 alleles (0.00013%); highest among the groups gnomAD compares: Non-Finnish European, 0.00017%; no homozygotes.

Submission:

GeneDx
Classification: Uncertain significance. Last evaluated: 2019-11-05. Review status: criteria provided, single submitter. Criteria: GeneDx Variant Classification Process June 2021. Collection method: clinical testing. Allele origin: germline. Affected: yes.
Comment: Not observed at a significant frequency in large population cohorts (Lek et al., 2016); In silico analysis, which includes protein predictors and evolutionary conservation, supports that this variant does not alter protein structure/function; Has not been previously published as pathogenic or benign to our knowledge